The following is an entry in ClinVar:

NM_206933.4(USH2A):c.4348G>A (p.Val1450Ile)

Gene: USH2A (usherin; minus strand). Cytogenetic location: 1q41.
Variant type: single nucleotide variant.
Coding change: c.4348G>A on transcript NM_206933.4 (MANE Select); coding-DNA position 4348, G replaced by A.
Protein change: p.Val1450Ile; replaces valine 1450 with isoleucine.
Molecular consequence: missense variant.
Genome position (GRCh38, 1-based): chr1:216,190,271, C>T on the plus strand (G>A on the coding strand, the complement: USH2A is on the minus strand). VCF-style: chr1-216190271-C-T. GRCh37 (hg19) VCF-style: chr1-216363613-C-T.
Other names: c.4348G>A, p.Val1450Ile (NM_007123.6); short protein forms V1450I.
Identifiers: ClinVar variation 2042209 (VCV002042209.5), dbSNP rs768615723, ClinGen allele CA1395744.

ClinVar aggregate classification (germline): Uncertain significance. Review status: criteria provided, multiple submitters, no conflicts (2 of 4 stars). 4 submissions from 4 submitters: Uncertain significance (4). Last evaluated 2026-06-01.

Conditions:
USH2A-related disorder. Also called: USH2A-related disorders; USH2A-related condition. Identifiers: MedGen CN239332.

Allele frequency attached by ClinVar (database versions not stated): TOPMed 0.00001; ExAC 0.00002.
gnomAD v4.1: 7 of 1,612,548 alleles (0.00043%); highest among the groups gnomAD compares: Middle Eastern, 0.017%; no homozygotes.

Submissions (4):

CeGaT Center for Human Genetics Tuebingen
Classification: Uncertain significance. Last evaluated: 2026-06-01. Review status: criteria provided, single submitter. Criteria: CeGaT Center For Human Genetics Tuebingen Variant Classification Criteria Version 2. Collection method: clinical testing. Allele origin: germline. Affected: yes. Observed: 1 variant allele.
Comment: USH2A: PM2, BP4

Myriad Genetics, Inc.
Classification: Uncertain significance for USH2A-related disorder. Last evaluated: 2025-10-22. Review status: criteria provided, single submitter. Criteria: Myriad Autosomal Dominant, Autosomal Recessive and X-Linked Classification Criteria (2023). Collection method: clinical testing. Allele origin: unknown.
Comment: NM_206933.2(USH2A):c.4348G>A(V1450I) is a missense variant classified as a variant of uncertain significance in the context of USH2A-related disorders. V1450I has been observed in a case with relevant disease (PMID: 37222315). Relevant functional assessments of this variant are not available in the literature. V1450I has been observed in referenced population frequency databases. In summary, there is insufficient evidence to classify NM_206933.2(USH2A):c.4348G>A(V1450I) as pathogenic or benign. Please note: this variant was assessed in the context of healthy population screening.

Blueprint Genetics
Classification: Uncertain significance. Last evaluated: 2023-08-08. Review status: criteria provided, single submitter. Criteria: ACMG Guidelines, 2015. Collection method: clinical testing. Allele origin: germline.

Labcorp Genetics (formerly Invitae), Labcorp
Classification: Uncertain significance. Last evaluated: 2022-10-13. Review status: criteria provided, single submitter. Criteria: Invitae Variant Classification Sherloc (09022015). Collection method: clinical testing. Allele origin: germline.
Comment: This sequence change replaces valine, which is neutral and non-polar, with isoleucine, which is neutral and non-polar, at codon 1450 of the USH2A protein (p.Val1450Ile). This variant is present in population databases (rs768615723, gnomAD 0.003%). This variant has not been reported in the literature in individuals affected with USH2A-related conditions. Advanced modeling of protein sequence and biophysical properties (such as structural, functional, and spatial information, amino acid conservation, physicochemical variation, residue mobility, and thermodynamic stability) performed at Invitae indicates that this missense variant is not expected to disrupt USH2A protein function. In summary, the available evidence is currently insufficient to determine the role of this variant in disease. Therefore, it has been classified as a Variant of Uncertain Significance.

Literature cited by the submitters: PubMed 37222315 (cited by Myriad Genetics, Inc.).